The following is an entry in ClinVar:

ClinVar aggregate classification (germline): Likely benign (1 of 4 stars; one submission).

Submission:

CeGaT Center for Human Genetics Tuebingen
Classification: Likely benign. Last evaluated: 2026-01-01. Review status: criteria provided, single submitter. Criteria: CeGaT Center For Human Genetics Tuebingen Variant Classification Criteria Version 2. Collection method: clinical testing. Allele origin: germline. Affected: yes. Observed: 2 variant alleles.
Comment: POU3F2: BS1

NM_005604.4(POU3F2):c.242GGGGCGGCGGCG[1] (p.Gly85_Gly88del)

Gene: POU3F2 (POU class 3 homeobox 2; plus strand). Cytogenetic location: 6q16.1.
Variant type: Microsatellite.
Coding change: c.242GGGGCGGCGGCG[1] on transcript NM_005604.4 (MANE Select); one copy of the 12-base unit GGGGCGGCGGCG starting at c.242; the reference has two copies in a row; one copy, 12 bases deleted.
Protein change: p.Gly85_Gly88del.
Molecular consequence: inframe deletion.
Genome position (GRCh38, 1-based): chr6:98,835,127-98,835,138, GGGGCGGCGGCG deleted; deleting any 12 consecutive bases within chr6:98,835,111-98,835,138 gives the same sequence; the position shown is the placement nearest the transcript's 3' end. VCF-style (leftmost placement, unchanged base first): chr6-98835110-GGGCGGGGGCGGC-G. GRCh37 (hg19) VCF-style: chr6-99282986-GGGCGGGGGCGGC-G.
Identifiers: ClinVar variation 3905391 (VCV003905391.10).